The following is an entry in ClinVar:

ClinVar aggregate classification (germline): Uncertain significance (1 of 4 stars; one submission).

Conditions:
Stormorken syndrome (STRMK). Also called: THROMBOCYTOPATHY, ASPLENIA, AND MIOSIS. Identifiers: Orphanet 3204, MedGen C1861451, MONDO:0008497, OMIM 185070.
Combined immunodeficiency due to STIM1 deficiency. Also called: STIM1 DEFICIENCY; IMMUNODEFICIENCY 10. Identifiers: Orphanet 169090, Orphanet 317430, MedGen C2748557, MONDO:0013008, OMIM 612783.
Myopathy with tubular aggregates (TAM). Also called: Tubular Aggregate Myopathy. Identifiers: Orphanet 2593, MedGen C0410207, MONDO:0008051.

Allele frequency attached by ClinVar (database versions not stated): gnomAD exomes below 0.00001; TOPMed 0.00002; ESP Exome Variant Server 0.00008.
gnomAD v4.1: 3 of 1,614,246 alleles (0.00019%); highest among the groups gnomAD compares: Non-Finnish European, 0.00025%; no homozygotes.

Submission:

Labcorp Genetics (formerly Invitae), Labcorp
Classification: Uncertain significance for Myopathy with tubular aggregates; Combined immunodeficiency due to STIM1 deficiency; Stormorken syndrome. Last evaluated: 2023-10-13. Review status: criteria provided, single submitter. Criteria: Invitae Variant Classification Sherloc (09022015). Collection method: clinical testing. Allele origin: germline.
Comment: This sequence change replaces isoleucine, which is neutral and non-polar, with threonine, which is neutral and polar, at codon 456 of the STIM1 protein (p.Ile456Thr). This variant is not present in population databases (gnomAD no frequency). This variant has not been reported in the literature in individuals affected with STIM1-related conditions. ClinVar contains an entry for this variant (Variation ID: 942254). Advanced modeling of protein sequence and biophysical properties (such as structural, functional, and spatial information, amino acid conservation, physicochemical variation, residue mobility, and thermodynamic stability) performed at Invitae indicates that this missense variant is expected to disrupt STIM1 protein function. In summary, the available evidence is currently insufficient to determine the role of this variant in disease. Therefore, it has been classified as a Variant of Uncertain Significance.

NM_001382567.1(STIM1):c.1367T>C (p.Ile456Thr)

Gene: STIM1 (stromal interaction molecule 1; plus strand). Cytogenetic location: 11p15.4.
Variant type: single nucleotide variant.
Coding change: c.1367T>C on transcript NM_001382567.1 (MANE Select); coding-DNA position 1367, T replaced by C.
Protein change: p.Ile456Thr; replaces isoleucine 456 with threonine.
Molecular consequence: missense variant. On other transcripts: non-coding transcript variant (2).
Genome position (GRCh38, 1-based): chr11:4,083,391, T>C. VCF-style: chr11-4083391-T-C. GRCh37 (hg19) VCF-style: chr11-4104621-T-C.
Other names: c.1367T>C, p.Ile456Thr (NM_001277961.3, NM_001277962.2, NM_003156.4); c.1145T>C, p.Ile382Thr (NM_001382566.1, NM_001382573.1, NM_001382575.1 and 4 more transcripts); c.1388T>C, p.Ile463Thr (NM_001382568.1); c.1232T>C, p.Ile411Thr (NM_001382569.1); c.1139T>C, p.Ile380Thr (NM_001382570.1); c.887T>C, p.Ile296Thr (NM_001382571.1); c.878T>C, p.Ile293Thr (NM_001382580.1, NM_001382581.1); short protein forms I456T, I411T, I463T, I293T, I296T, I380T, I382T.
Identifiers: ClinVar variation 942254 (VCV000942254.10), dbSNP rs371655991, ClinGen allele CA216529794.